The following is an entry in ClinVar:

NM_006796.3(AFG3L2):c.1330A>G (p.Thr444Ala)

Gene: AFG3L2 (AFG3 like matrix AAA peptidase subunit 2; minus strand). Cytogenetic location: 18p11.21.
Variant type: single nucleotide variant.
Coding change: c.1330A>G on transcript NM_006796.3 (MANE Select); coding-DNA position 1330, A replaced by G.
Protein change: p.Thr444Ala; replaces threonine 444 with alanine.
Molecular consequence: missense variant.
Genome position (GRCh38, 1-based): chr18:12,351,402, T>C on the plus strand (A>G on the coding strand, the complement: AFG3L2 is on the minus strand). VCF-style: chr18-12351402-T-C. GRCh37 (hg19) VCF-style: chr18-12351401-T-C.
Other names: short protein forms T444A.
Identifiers: ClinVar variation 1013395 (VCV001013395.38), dbSNP rs1908311940, ClinGen allele CA401952624.

ClinVar aggregate classification (germline): Uncertain significance (1 of 4 stars; one submission).

Submission:

CeGaT Center for Human Genetics Tuebingen
Classification: Uncertain significance. Last evaluated: 2024-10-01. Review status: criteria provided, single submitter. Criteria: CeGaT Center For Human Genetics Tuebingen Variant Classification Criteria Version 2. Collection method: clinical testing. Allele origin: germline. Affected: yes. Observed: 3 variant alleles.
Comment: AFG3L2: PM1, PM2